The following is an entry in ClinVar:

NM_007294.4(BRCA1):c.397C>T (p.Arg133Cys)

Gene: BRCA1 (BRCA1 DNA repair associated; minus strand). Cytogenetic location: 17q21.31.
Variant type: single nucleotide variant.
Coding change: c.397C>T on transcript NM_007294.4 (MANE Select); coding-DNA position 397, C replaced by T.
Protein change: p.Arg133Cys; replaces arginine 133 with cysteine.
Molecular consequence: missense variant. On other transcripts: non-coding transcript variant (1).
Genome position (GRCh38, 1-based): chr17:43,104,166, G>A on the plus strand (C>T on the coding strand, the complement: BRCA1 is on the minus strand). VCF-style: chr17-43104166-G-A. GRCh37 (hg19) VCF-style: chr17-41256183-G-A.
Other names: c.397C>T, p.Arg133Cys (NM_001408450.1, NM_001408472.1, NM_001408473.1 and 165 more transcripts); c.265C>T, p.Arg89Cys (NM_001408451.1); c.256C>T, p.Arg86Cys (NM_001408452.1, NM_001408453.1, NM_001408454.1 and 99 more transcripts); c.319C>T, p.Arg107Cys (NM_001408474.1, NM_001408475.1, NM_001408476.1 and 21 more transcripts); c.187C>T, p.Arg63Cys (NM_001408478.1, NM_001408479.1, NM_001408480.1 and 58 more transcripts); c.16C>T, p.Arg6Cys (NM_001408510.1, NM_001408512.1, NM_001407959.1 and 4 more transcripts); c.388C>T, p.Arg130Cys (NM_001407646.1, NM_001407647.1, NM_001408408.1); short protein forms R133C, R86C, R107C, R63C, R6C, R130C, R89C.
Identifiers: ClinVar variation 55067 (VCV000055067.31), dbSNP rs80357457, ClinGen allele CA002551.

ClinVar aggregate classification (germline): Benign. Review status: reviewed by expert panel (3 of 4 stars). 12 submissions from 12 submitters: Benign (1). 11 of the submissions do not count toward it. Last evaluated 2019-06-18.

Conditions:
Hereditary cancer-predisposing syndrome. Also called: Hereditary Cancer Syndrome; Hereditary neoplastic syndrome; Neoplastic Syndromes, Hereditary; Tumor predisposition. Identifiers: Orphanet 140162, MedGen C0027672, MeSH D009386, MONDO:0015356.
BRCA1-related cancer predisposition. Identifiers: MedGen CN377757, MONDO:0700268.
Hereditary breast ovarian cancer syndrome. Also called: BRCA1- and BRCA2-Associated Hereditary Breast and Ovarian Cancer; Hereditary breast and ovarian cancer syndrome; Hereditary breast and ovarian cancer syndrome (HBOC); Breast and ovarian cancer; Hereditary breast and/or ovarian cancer syndrome; Hereditary breast and ovarian cancer. Identifiers: Orphanet 145, MedGen C0677776, MeSH D061325, MONDO:0003582. Disease mechanism: loss of function.
Breast-ovarian cancer, familial, susceptibility to, 1 (BROVCA1). Also called: BRCA1 Hereditary Breast and Ovarian Cancer; OVARIAN CANCER, SUSCEPTIBILITY TO. Identifiers: Orphanet 145, MedGen C2676676, MONDO:0011450, OMIM 604370. Disease mechanism: loss of function.

Allele frequency attached by ClinVar (database versions not stated): gnomAD exomes 0.00001; TOPMed below 0.00001; gnomAD 0.00001.
gnomAD v4.1: 12 of 1,613,810 alleles (0.00074%); highest among the groups gnomAD compares: South Asian, 0.0011%; no homozygotes.

Submissions (12):

Evidence-based Network for the Interpretation of Germline Mutant Alleles (ENIGMA)
Classification: Benign for Breast-ovarian cancer, familial, susceptibility to, 1. Last evaluated: 2019-06-18. Review status: reviewed by expert panel. Criteria: ENIGMA BRCA1/2 Classification Criteria (2017-06-29). Collection method: curation. Allele origin: germline.
Comment: IARC class based on posterior probability from multifactorial likelihood analysis, thresholds for class as per Plon et al. 2008 (PMID: 18951446). Class 1 based on posterior probability = 3.12E-07

Color Diagnostics, LLC DBA Color Health
Classification: Likely benign for Hereditary cancer-predisposing syndrome. Last evaluated: 2025-11-18. Review status: criteria provided, single submitter. Criteria: ACMG Guidelines, 2015. Collection method: clinical testing. Allele origin: germline. Not counted in ClinVar's aggregate classification.

Labcorp Genetics (formerly Invitae), Labcorp
Classification: Uncertain significance for Hereditary breast ovarian cancer syndrome. Last evaluated: 2025-10-06. Review status: criteria provided, single submitter. Criteria: Invitae Variant Classification Sherloc (09022015). Collection method: clinical testing. Allele origin: germline. Not counted in ClinVar's aggregate classification.
Comment: This sequence change replaces arginine, which is basic and polar, with cysteine, which is neutral and slightly polar, at codon 133 of the BRCA1 protein (p.Arg133Cys). This variant is present in population databases (rs80357457, gnomAD 0.003%). This missense change has been observed in individual(s) with breast and/or ovarian cancer (PMID: 18703817, 34981296). ClinVar contains an entry for this variant (Variation ID: 55067). Invitae Evidence Modeling of protein sequence and biophysical properties (such as structural, functional, and spatial information, amino acid conservation, physicochemical variation, residue mobility, and thermodynamic stability) indicates that this missense variant is expected to disrupt BRCA1 protein function with a positive predictive value of 80%. In summary, the available evidence is currently insufficient to determine the role of this variant in disease. Therefore, it has been classified as a Variant of Uncertain Significance.

Women's Health and Genetics/Laboratory Corporation of America, LabCorp
Classification: Uncertain significance. Last evaluated: 2025-08-29. Review status: criteria provided, single submitter. Criteria: LabCorp Variant Classification Summary - May 2015. Collection method: clinical testing. Allele origin: germline. Not counted in ClinVar's aggregate classification.
Comment: Variant summary: BRCA1 c.397C>T (p.Arg133Cys) results in a non-conservative amino acid change in the encoded protein sequence. The variant allele was found at a frequency of 1.2e-05 in 251406 control chromosomes (gnomAD). The available data on variant occurrences in the general population are insufficient to allow any conclusion about variant significance. c.397C>T has been observed in individuals affected with breast and/or ovarian cancer or in their family members (e.g., Judkins_2005, Brooks_2006, Palma_2008, Dorling_2021, Hovland_2022). These reports do not provide unequivocal conclusions about association of the variant with Hereditary Breast And Ovarian Cancer Syndrome. To our knowledge, no experimental evidence demonstrating an impact on protein function has been reported. The following publications have been ascertained in the context of this evaluation (PMID: 16267036, 18703817, 24728327, 16931905, 34981296, 33471991). ClinVar contains an entry for this variant (Variation ID: 55067). Based on the evidence outlined above, the variant was classified as uncertain significance.

St. Jude Molecular Pathology, St. Jude Children's Research Hospital
Classification: Uncertain significance for Breast-ovarian cancer, familial, susceptibility to, 1. Last evaluated: 2024-07-17. Review status: criteria provided, single submitter. Criteria: St. Jude Assertion Criteria 2020. Collection method: clinical testing. Allele origin: germline. Not counted in ClinVar's aggregate classification.
Comment: The BRCA1 c.397C>T (p.Arg133Cys) missense change has a maximum subpopulation frequency of 0.003% in gnomAD v2.1.1. The in silico tool REVEL predicts a deleterious effect on protein function, but this prediction has not been confirmed by functional studies. This variant has not been reported in individuals with HBOC or Fanconi anemia. In summary, the evidence currently available is insufficient to determine the clinical significance of this variant. It has therefore been classified as of uncertain significance.?

All of Us Research Program, National Institutes of Health
Classification: Uncertain significance for BRCA1-related cancer predisposition. Last evaluated: 2024-05-30. Review status: criteria provided, single submitter. Criteria: ACMG Guidelines, 2015. Collection method: clinical testing. Allele origin: germline. Inheritance: Autosomal dominant inheritance. Observed: 1 variant allele, 1 heterozygote. Not counted in ClinVar's aggregate classification.
Comment: This missense variant replaces arginine with cysteine at codon 133 of the BRCA1 protein. Computational prediction suggests that this variant may have deleterious impact on protein structure and function. A functional study using Brca1-deficient mouse embryonic stem cells reported that this variant does not impact BRCA1 function in cisplatin and PARP inhibitor sensitivity assays and has an intermediate impact in a homology-directed DNA repair assay (PMID: 32546644). This variant has been reported in an individual affected with breast and/or ovarian cancer (PMID: 33726785) and in a breast cancer case-control meta-analysis in 1/60466 cases and 0/53461 unaffected individuals (PMID: 33471991; Leiden Open Variation Database DB-ID BRCA1_003053). A multifactorial analysis has reported likelihood ratios for pathogenicity based on segregation, tumor pathology, co-occurrence with a pathogenic variant and family history of 0.0001, 0.4, 1.0673 and 0.3579, respectively (PMID: 31131967). This variant has been identified in 4/282702 chromosomes in the general population by the Genome Aggregation Database (gnomAD). The available evidence is insufficient to determine the role of this variant in disease conclusively. Therefore, this variant is classified as a Variant of Uncertain Significance.

This study involves interpretation of variants in research participants for the purpose of population health screening. Participant phenotype was not available at the time of variant classification. Additional details can be found in publication PMID: 35346344, PMCID: PMC8962531

Ambry Genetics
Classification: Uncertain significance for Hereditary cancer-predisposing syndrome. Last evaluated: 2023-09-29. Review status: criteria provided, single submitter. Criteria: Ambry Variant Classification Scheme 2023. Collection method: clinical testing. Allele origin: germline. Not counted in ClinVar's aggregate classification.
Comment: The p.R133C variant (also known as c.397C>T), located in coding exon 5 of the BRCA1 gene, results from a C to T substitution at nucleotide position 397. The arginine at codon 133 is replaced by cysteine, an amino acid with highly dissimilar properties. This alteration has been identified in several studies of individuals with a personal and/or family history suggestive of hereditary breast and/or ovarian cancer (Judkins T et al. Cancer Res, 2005 Nov;65:10096-103; Brooks GA et al. Cancer Biol Ther, 2006 Sep;5:1098-102; Palma MD et al. Cancer Res, 2008 Sep;68:7006-14; Ben Ayed-Guerfali D et al. J Transl Med, 2021 Mar;19:108). This amino acid position is highly conserved in available vertebrate species. In addition, this alteration is predicted to be deleterious by in silico analysis. Since supporting evidence is limited at this time, the clinical significance of this alteration remains unclear.

Baylor Genetics
Classification: Uncertain significance for Breast-ovarian cancer, familial, susceptibility to, 1. Last evaluated: 2023-09-04. Review status: criteria provided, single submitter. Criteria: ACMG Guidelines, 2015. Collection method: clinical testing. Allele origin: unknown. Not counted in ClinVar's aggregate classification.

Quest Diagnostics Nichols Institute San Juan Capistrano
Classification: Uncertain significance. Last evaluated: 2019-06-03. Review status: criteria provided, single submitter. Criteria: Quest Diagnostics criteria. Collection method: clinical testing. Allele origin: germline. Not counted in ClinVar's aggregate classification.

Counsyl
Classification: Uncertain significance for Breast-ovarian cancer, familial, susceptibility to, 1. Last evaluated: 2018-02-15. Review status: no assertion criteria provided. Collection method: clinical testing. Allele origin: unknown. Not counted in ClinVar's aggregate classification.

ITMI
No classification provided. Condition: AllHighlyPenetrant. Last evaluated: 2013-09-19. Review status: no classification provided. Collection method: reference population. Allele origin: germline. Not counted in ClinVar's aggregate classification.
Comment: Please see associated publication for description of ethnicities

Breast Cancer Information Core (BIC) (BRCA1)
Classification: Uncertain significance for Breast-ovarian cancer, familial 1. Last evaluated: 2004-11-25. Review status: no assertion criteria provided. Collection method: clinical testing. Allele origin: germline. Affected: yes. Observed: 2 variant alleles. Not counted in ClinVar's aggregate classification.

Literature cited by the submitters: PubMed 31131967 (cited by 3 submitters); PubMed 18703817 (cited by 5 submitters); PubMed 34981296 (cited by Labcorp Genetics (formerly Invitae), Labcorp and Women's Health and Genetics/Laboratory Corporation of America, LabCorp); PubMed 16267036 (cited by 4 submitters); PubMed 24728327 (cited by 5 submitters); PubMed 16931905 (cited by 4 submitters); PubMed 33471991 (cited by Women's Health and Genetics/Laboratory Corporation of America, LabCorp and All of Us Research Program, National Institutes of Health); PubMed 32546644 (cited by All of Us Research Program, National Institutes of Health); PubMed 33726785 (cited by All of Us Research Program, National Institutes of Health and Ambry Genetics); PubMed 25823446 (cited by Ambry Genetics); PubMed 31270457 (cited by Ambry Genetics).